The following is an entry in ClinVar:

NM_001114134.2(EPB42):c.775C>T (p.Arg259Ter)

Gene: EPB42 (erythrocyte membrane protein band 4.2; minus strand). Cytogenetic location: 15q15.2.
Variant type: single nucleotide variant.
Coding change: c.775C>T on transcript NM_001114134.2 (MANE Select); coding-DNA position 775, C replaced by T.
Protein change: p.Arg259Ter; replaces arginine 259 with a stop codon.
Molecular consequence: nonsense.
Genome position (GRCh38, 1-based): chr15:43,209,331, G>A on the plus strand (C>T on the coding strand, the complement: EPB42 is on the minus strand). VCF-style: chr15-43209331-G-A. GRCh37 (hg19) VCF-style: chr15-43501529-G-A.
Other names: c.865C>T, p.Arg289Ter (NM_000119.3); short protein forms R289*, R259*.
Identifiers: ClinVar variation 3577128 (VCV003577128.3).

ClinVar aggregate classification (germline): Pathogenic/Likely pathogenic. Review status: criteria provided, multiple submitters, no conflicts (2 of 4 stars). 3 submissions from 3 submitters: Pathogenic (1); Likely pathogenic (2). Last evaluated 2026-01-22.

Conditions:
Hereditary spherocytosis type 5. Also called: EPB42-Related Spherocytosis; EPB42-Related Hereditary Spherocytosis. Identifiers: Orphanet 822, MedGen C2675192, MONDO:0012985, OMIM 612690.

Submissions (3):

Labcorp Genetics (formerly Invitae), Labcorp
Classification: Pathogenic. Last evaluated: 2026-01-22. Review status: criteria provided, single submitter. Criteria: Invitae Variant Classification Sherloc (09022015). Collection method: clinical testing. Allele origin: germline.
Comment: This sequence change creates a premature translational stop signal (p.Arg289*) in the EPB42 gene. It is expected to result in an absent or disrupted protein product. Loss-of-function variants in EPB42 are known to be pathogenic (PMID: 7819064, 10629586, 20179084). This variant is present in population databases (no rsID available, gnomAD 0.007%). This variant has not been reported in the literature in individuals affected with EPB42-related conditions. ClinVar contains an entry for this variant (Variation ID: 3577128). For these reasons, this variant has been classified as Pathogenic.

Fulgent Genetics
Classification: Likely pathogenic for Hereditary spherocytosis type 5. Last evaluated: 2024-06-17. Review status: criteria provided, single submitter. Criteria: ACMG Guidelines, 2015. Collection method: clinical testing. Allele origin: germline.

Department of Pathology and Laboratory Medicine, Sinai Health System
Classification: Likely pathogenic for Hereditary spherocytosis type 5. Last evaluated: 2023-05-03. Review status: criteria provided, single submitter. Criteria: ACMG Guidelines, 2015. Collection method: research. Allele origin: germline.

Literature cited by the submitters: PubMed 7819064 (cited by Labcorp Genetics (formerly Invitae), Labcorp); PubMed 10629586 (cited by Labcorp Genetics (formerly Invitae), Labcorp); PubMed 20179084 (cited by Labcorp Genetics (formerly Invitae), Labcorp).